The following is an entry in ClinVar:

ClinVar aggregate classification (germline): Uncertain significance (1 of 4 stars; one submission).

gnomAD v4.1: 6 of 1,612,076 alleles (0.00037%); highest among the groups gnomAD compares: South Asian, 0.0066%; no homozygotes.

Submission:

Labcorp Genetics (formerly Invitae), Labcorp
Classification: Uncertain significance. Last evaluated: 2024-05-21. Review status: criteria provided, single submitter. Criteria: Invitae Variant Classification Sherloc (09022015). Collection method: clinical testing. Allele origin: germline.
Comment: This sequence change replaces glycine, which is neutral and non-polar, with alanine, which is neutral and non-polar, at codon 800 of the COL4A1 protein (p.Gly800Ala). This variant is present in population databases (rs772681589, gnomAD 0.007%). This variant has not been reported in the literature in individuals affected with COL4A1-related conditions. An algorithm developed to predict the effect of missense changes on protein structure and function (PolyPhen-2) suggests that this variant is likely to be tolerated. In summary, the available evidence is currently insufficient to determine the role of this variant in disease. Therefore, it has been classified as a Variant of Uncertain Significance.

NM_001845.6(COL4A1):c.2399G>C (p.Gly800Ala)

Gene: COL4A1 (collagen type IV alpha 1 chain; minus strand). Cytogenetic location: 13q34.
Variant type: single nucleotide variant.
Coding change: c.2399G>C on transcript NM_001845.6 (MANE Select); coding-DNA position 2399, G replaced by C.
Protein change: p.Gly800Ala; replaces glycine 800 with alanine.
Molecular consequence: missense variant.
Genome position (GRCh38, 1-based): chr13:110,178,982, C>G on the plus strand (G>C on the coding strand, the complement: COL4A1 is on the minus strand). VCF-style: chr13-110178982-C-G. GRCh37 (hg19) VCF-style: chr13-110831329-C-G.
Other names: short protein forms G800A.
Identifiers: ClinVar variation 3603657 (VCV003603657.2).